The following is an entry in ClinVar:

ClinVar aggregate classification (germline): Likely benign (3 of 4 stars; one submission).

Conditions:
Breast-ovarian cancer, familial, susceptibility to, 1 (BROVCA1). Also called: BRCA1 Hereditary Breast and Ovarian Cancer; OVARIAN CANCER, SUSCEPTIBILITY TO. Identifiers: Orphanet 145, MedGen C2676676, MONDO:0011450, OMIM 604370. Disease mechanism: loss of function.

Submission:

Evidence-based Network for the Interpretation of Germline Mutant Alleles (ENIGMA)
Classification: Likely benign for Breast-ovarian cancer, familial, susceptibility to, 1. Last evaluated: 2017-06-29. Review status: reviewed by expert panel. Criteria: ENIGMA BRCA1/2 Classification Criteria (2017-06-29). Collection method: curation. Allele origin: germline.
Comment: Synonymous substitution variant, with low bioinformatic likelihood to result in a splicing aberration (Splicing prior probability 0.02).

NM_007294.4(BRCA1):c.981A>C (p.Thr327=)

Gene: BRCA1 (BRCA1 DNA repair associated; minus strand). Cytogenetic location: 17q21.31.
Variant type: single nucleotide variant.
Coding change: c.981A>C on transcript NM_007294.4 (MANE Select); coding-DNA position 981, A replaced by C.
Protein change: p.Thr327=; no amino-acid change (threonine 327 retained).
Molecular consequence: synonymous variant. On other transcripts: intron variant (137).
Genome position (GRCh38, 1-based): chr17:43,094,550, T>G on the plus strand (A>C on the coding strand, the complement: BRCA1 is on the minus strand). VCF-style: chr17-43094550-T-G. GRCh37 (hg19) VCF-style: chr17-41246567-T-G.
Other names: c.768A>C, p.Thr256= (NM_001407571.1, NM_001407853.1, NM_001407894.1 and 9 more transcripts); c.981A>C, p.Thr327= (NM_001407581.1, NM_001407582.1, NM_001407583.1 and 30 more transcripts); c.978A>C, p.Thr326= (NM_001407587.1, NM_001407590.1, NM_001407591.1 and 22 more transcripts); c.972A>C, p.Thr324= (NM_001407646.1, NM_001407647.1); c.858A>C, p.Thr286= (NM_001407648.1, NM_001407664.1, NM_001407665.1 and 19 more transcripts); c.855A>C, p.Thr285= (NM_001407649.1, NM_001407670.1, NM_001407671.1 and 11 more transcripts); c.903A>C, p.Thr301= (NM_001407653.1, NM_001407654.1, NM_001407655.1 and 4 more transcripts); c.900A>C, p.Thr300= (NM_001407659.1, NM_001407660.1, NM_001407661.1 and 1 more transcripts); and 40 more.
Identifiers: ClinVar variation 427266 (VCV000427266.4), dbSNP rs1800063, ClinGen allele CA500234056.
Genomic context (GRCh38, chr17:43,094,550, plus strand): 5'-CAGGGGATCAGCATTCAGATCTACCTTTTTTTCTGTGCTGGGAGTCCGCCTATCATTACA[T>G]GTTTCCTTACTTCCAGCCCATCTGTTATGTTGGCTCCTTGCTAAGCCAGGCTGTTTGCTT-3'
Protein context (NP_009225.1, residues 317-337): QHNRWAGSKE[Thr327=]CNDRRTPSTE